The following is an entry in ClinVar:

ClinVar aggregate classification (germline): Uncertain significance (1 of 4 stars; one submission).

Allele frequency attached by ClinVar (database versions not stated): TOPMed below 0.00001; gnomAD 0.00001.
gnomAD v4.1: 1 of 1,612,862 alleles (0.000062%); highest among the groups gnomAD compares: Non-Finnish European, 0.000085%; no homozygotes.

Submission:

Labcorp Genetics (formerly Invitae), Labcorp
Classification: Uncertain significance. Last evaluated: 2022-03-31. Review status: criteria provided, single submitter. Criteria: Invitae Variant Classification Sherloc (09022015). Collection method: clinical testing. Allele origin: germline.
Comment: In summary, the available evidence is currently insufficient to determine the role of this variant in disease. Therefore, it has been classified as a Variant of Uncertain Significance. Algorithms developed to predict the effect of missense changes on protein structure and function (SIFT, PolyPhen-2, Align-GVGD) all suggest that this variant is likely to be tolerated. This variant has not been reported in the literature in individuals affected with SKIV2L-related conditions. This variant is not present in population databases (gnomAD no frequency). This sequence change replaces threonine, which is neutral and polar, with asparagine, which is neutral and polar, at codon 981 of the SKIV2L protein (p.Thr981Asn).

NM_006929.5(SKIC2):c.2942C>A (p.Thr981Asn)

Gene: SKIC2 (SKI2 subunit of superkiller complex; plus strand). Cytogenetic location: 6p21.33.
Variant type: single nucleotide variant.
Coding change: c.2942C>A on transcript NM_006929.5 (MANE Select); coding-DNA position 2942, C replaced by A.
Protein change: p.Thr981Asn; replaces threonine 981 with asparagine.
Molecular consequence: missense variant.
Genome position (GRCh38, 1-based): chr6:31,968,411, C>A. VCF-style: chr6-31968411-C-A. GRCh37 (hg19) VCF-style: chr6-31936188-C-A.
Other names: short protein forms T981N.
Identifiers: ClinVar variation 2120062 (VCV002120062.4), dbSNP rs1440659886, ClinGen allele CA363480775.
Genomic context (GRCh38, chr6:31,968,411, plus strand): 5'-TGACCACTGCTGTCCAGGAACTGCTGCGTCTGGCTCAGGCCCACCCAGCCGGACCTCCCA[C>A]CCTCGACCCTGTCAATGACCTGCAGCTCAAAGATATGTCAGTTGTAGAGGGTGGGCTCCG-3'
Protein context (NP_008860.4, residues 971-991): LAQAHPAGPP[Thr981Asn]LDPVNDLQLK